The following is an entry in ClinVar:

NM_006440.5(TXNRD2):c.1150G>C (p.Gly384Arg)

Gene: TXNRD2 (thioredoxin reductase 2; minus strand). Cytogenetic location: 22q11.21.
Variant type: single nucleotide variant.
Coding change: c.1150G>C on transcript NM_006440.5 (MANE Select); coding-DNA position 1150, G replaced by C.
Protein change: p.Gly384Arg; replaces glycine 384 with arginine.
Molecular consequence: missense variant. On other transcripts: non-coding transcript variant (1).
Genome position (GRCh38, 1-based): chr22:19,880,654, C>G on the plus strand (G>C on the coding strand, the complement: TXNRD2 is on the minus strand). VCF-style: chr22-19880654-C-G. GRCh37 (hg19) VCF-style: chr22-19868177-C-G.
Other names: c.1150G>C (NM_006440.3); c.1147G>C, p.Gly383Arg (NM_001352300.2); c.1060G>C, p.Gly354Arg (NM_001352301.2); c.862G>C, p.Gly288Arg (NM_001352302.2); short protein forms G288R, G354R, G383R, G384R.
Identifiers: ClinVar variation 838125 (VCV000838125.10), dbSNP rs192869629, ClinGen allele CA10103787.
Genomic context (GRCh38, chr22:19,880,654, plus strand): 5'-GCACGTGGCGTCCTGCTAGAGAACTCACATTGTCGTAGTCCATCAGATCTGAGGACCCGC[C>G]GAAGAGCCGCTGCACCAGGAGCCTCCCGGCCATGATCGCTATGGGTGTCAGCTCAGGCCG-3'
Protein context (NP_006431.2, residues 374-394): AGRLLVQRLF[Gly384Arg]GSSDLMDYDN

ClinVar aggregate classification (germline): Uncertain significance. Review status: criteria provided, multiple submitters, no conflicts (2 of 4 stars). 2 submissions from 2 submitters: Uncertain significance (2). Last evaluated 2026-01-12.

Conditions:
Primary dilated cardiomyopathy (DCM). Also called: Dilated Cardiomyopathy. Identifiers: Orphanet 217604, MedGen C0007193, MeSH D002311, MONDO:0005021, HP:0001644. Inheritance: Various modes of inheritance.
Cardiovascular phenotype. Identifiers: MedGen CN230736.

Allele frequency attached by ClinVar (database versions not stated): TOPMed 0.00002.
gnomAD v4.1: 18 of 1,613,282 alleles (0.0011%); highest among the groups gnomAD compares: East Asian, 0.038%; no homozygotes.

Submissions (2):

Labcorp Genetics (formerly Invitae), Labcorp
Classification: Uncertain significance for Primary dilated cardiomyopathy. Last evaluated: 2026-01-12. Review status: criteria provided, single submitter. Criteria: Invitae Variant Classification Sherloc (09022015). Collection method: clinical testing. Allele origin: germline.
Comment: This sequence change replaces glycine, which is neutral and non-polar, with arginine, which is basic and polar, at codon 384 of the TXNRD2 protein (p.Gly384Arg). This variant is present in population databases (rs192869629, gnomAD 0.07%), and has an allele count higher than expected for a pathogenic variant. This variant has not been reported in the literature in individuals affected with TXNRD2-related conditions. ClinVar contains an entry for this variant (Variation ID: 838125). Invitae Evidence Modeling of protein sequence and biophysical properties (such as structural, functional, and spatial information, amino acid conservation, physicochemical variation, residue mobility, and thermodynamic stability) indicates that this missense variant is not expected to disrupt TXNRD2 protein function with a negative predictive value of 80%. In summary, the available evidence is currently insufficient to determine the role of this variant in disease. Therefore, it has been classified as a Variant of Uncertain Significance.

Ambry Genetics
Classification: Uncertain significance for Cardiovascular phenotype. Last evaluated: 2023-08-14. Review status: criteria provided, single submitter. Criteria: Ambry Variant Classification Scheme 2023. Collection method: clinical testing. Allele origin: germline.
Comment: The p.G384R variant (also known as c.1150G>C), located in coding exon 13 of the TXNRD2 gene, results from a G to C substitution at nucleotide position 1150. The glycine at codon 384 is replaced by arginine, an amino acid with dissimilar properties. This amino acid position is well conserved in available vertebrate species. In addition, the in silico prediction for this alteration is inconclusive. The evidence for this gene-disease relationship is limited; therefore, the clinical significance of this alteration is unclear.